The following is an entry in ClinVar:

ClinVar aggregate classification (germline): Uncertain significance (1 of 4 stars; one submission).

Conditions:
FADD-related immunodeficiency. Also called: FADD DEFICIENCY; Infections, recurrent, with encephalopathy, hepatic dysfunction, and cardiovascular malformations. Identifiers: Orphanet 306550, MedGen C3151062, MONDO:0013408, OMIM 613759.

Submission:

Labcorp Genetics (formerly Invitae), Labcorp
Classification: Uncertain significance for FADD-related immunodeficiency. Last evaluated: 2021-08-24. Review status: criteria provided, single submitter. Criteria: Invitae Variant Classification Sherloc (09022015). Collection method: clinical testing. Allele origin: germline.
Comment: This sequence change replaces alanine with threonine at codon 159 of the FADD protein (p.Ala159Thr). The alanine residue is moderately conserved and there is a small physicochemical difference between alanine and threonine. This variant is not present in population databases (ExAC no frequency). This variant has not been reported in the literature in individuals affected with FADD-related conditions. Algorithms developed to predict the effect of missense changes on protein structure and function (SIFT, PolyPhen-2, Align-GVGD) all suggest that this variant is likely to be tolerated. In summary, the available evidence is currently insufficient to determine the role of this variant in disease. Therefore, it has been classified as a Variant of Uncertain Significance.

NM_003824.4(FADD):c.475G>A (p.Ala159Thr)

Gene: FADD (Fas associated via death domain; plus strand). Cytogenetic location: 11q13.3.
Variant type: single nucleotide variant.
Coding change: c.475G>A on transcript NM_003824.4 (MANE Select); coding-DNA position 475, G replaced by A.
Protein change: p.Ala159Thr; replaces alanine 159 with threonine.
Molecular consequence: missense variant.
Genome position (GRCh38, 1-based): chr11:70,206,321, G>A. VCF-style: chr11-70206321-G-A. GRCh37 (hg19) VCF-style: chr11-70052427-G-A.
Other names: short protein forms A159T.
Identifiers: ClinVar variation 471686 (VCV000471686.7), dbSNP rs1555063819, ClinGen allele CA381666290.
Genomic context (GRCh38, chr11:70,206,321, plus strand): 5'-GAGCGTGTGCGGGAGTCACTGAGAATCTGGAAGAACACAGAGAAGGAGAACGCAACAGTG[G>A]CCCACCTGGTGGGGGCTCTCAGGTCCTGCCAGATGAACCTGGTGGCTGACCTGGTACAAG-3'
Protein context (NP_003815.1, residues 149-169): KNTEKENATV[Ala159Thr]HLVGALRSCQ